The following is an entry in ClinVar:

NM_032776.3(JMJD1C):c.1900C>T (p.His634Tyr)

Gene: JMJD1C (jumonji domain containing 1C; minus strand). Cytogenetic location: 10q21.3.
Variant type: single nucleotide variant.
Coding change: c.1900C>T on transcript NM_032776.3 (MANE Select); coding-DNA position 1900, C replaced by T.
Protein change: p.His634Tyr; replaces histidine 634 with tyrosine.
Molecular consequence: missense variant. On other transcripts: non-coding transcript variant (1).
Genome position (GRCh38, 1-based): chr10:63,214,267, G>A on the plus strand (C>T on the coding strand, the complement: JMJD1C is on the minus strand). VCF-style: chr10-63214267-G-A. GRCh37 (hg19) VCF-style: chr10-64974027-G-A.
Other names: c.1354C>T, p.His452Tyr (NM_001282948.2, NM_001318154.2); c.1036C>T, p.His346Tyr (NM_001318153.2); c.1786C>T, p.His596Tyr (NM_001322252.2); c.1243C>T, p.His415Tyr (NM_001322254.2, NM_001322258.2); c.1900C>T (NM_032776.1); short protein forms H634Y, H596Y, H452Y, H346Y, H415Y.
Identifiers: ClinVar variation 529713 (VCV000529713.13), dbSNP rs368298748, ClinGen allele CA5518723.

ClinVar aggregate classification (germline): Uncertain significance. Review status: criteria provided, multiple submitters, no conflicts (2 of 4 stars). 2 submissions from 2 submitters: Uncertain significance (2). Last evaluated 2025-08-21.

Conditions:
Early Myoclonic Encephalopathy. Identifiers: MedGen C0270855.

Allele frequency attached by ClinVar (database versions not stated): TOPMed 0.00011; ExAC 0.00007; gnomAD exomes 0.00007; gnomAD 0.00009; ESP Exome Variant Server 0.00025.
gnomAD v4.1: 298 of 1,613,928 alleles (0.018%); highest among the groups gnomAD compares: Non-Finnish European, 0.024%; no homozygotes.

Submissions (2):

Labcorp Genetics (formerly Invitae), Labcorp
Classification: Uncertain significance for Early Myoclonic Encephalopathy. Last evaluated: 2025-08-21. Review status: criteria provided, single submitter. Criteria: Invitae Variant Classification Sherloc (09022015). Collection method: clinical testing. Allele origin: germline.
Comment: This sequence change replaces histidine, which is basic and polar, with tyrosine, which is neutral and polar, at codon 634 of the JMJD1C protein (p.His634Tyr). This variant is present in population databases (rs368298748, gnomAD 0.01%). This variant has not been reported in the literature in individuals affected with JMJD1C-related conditions. ClinVar contains an entry for this variant (Variation ID: 529713). Invitae Evidence Modeling of protein sequence and biophysical properties (such as structural, functional, and spatial information, amino acid conservation, physicochemical variation, residue mobility, and thermodynamic stability) indicates that this missense variant is not expected to disrupt JMJD1C protein function with a negative predictive value of 80%. In summary, the available evidence is currently insufficient to determine the role of this variant in disease. Therefore, it has been classified as a Variant of Uncertain Significance.

Ambry Genetics
Classification: Uncertain significance. Last evaluated: 2024-08-05. Review status: criteria provided, single submitter. Criteria: Ambry Variant Classification Scheme 2023. Collection method: clinical testing. Allele origin: germline.